The following is an entry in ClinVar:

NM_014363.6(SACS):c.5707_5708del (p.Asp1903fs)

Gene: SACS (sacsin molecular chaperone; minus strand). Cytogenetic location: 13q12.12.
Variant type: Deletion.
Coding change: c.5707_5708del on transcript NM_014363.6 (MANE Select); coding-DNA positions 5707 to 5708, 2 bases deleted (GA; older notation c.5707_5708delGA).
Protein change: p.Asp1903fs; shifts the reading frame from aspartic acid 1903.
Molecular consequence: frameshift variant.
Genome position (GRCh38, 1-based): chr13:23,338,168-23,338,169, TC deleted on the plus strand (GA on the coding strand, the reverse complement: SACS is on the minus strand); deleting any 2 consecutive bases within chr13:23,338,168-23,338,170 gives the same sequence; the c. name uses the placement nearest the transcript's 3' end. VCF-style (leftmost placement, unchanged base first): chr13-23338167-ATC-A. GRCh37 (hg19) VCF-style: chr13-23912306-ATC-A.
Other names: c.5266_5267del, p.Asp1756fs (NM_001278055.2); c.5707_5708del (NM_014363.4); short protein forms D1903fs, D1756fs.
Identifiers: ClinVar variation 646225 (VCV000646225.10), dbSNP rs1593129673, ClinGen allele CA915946905.

ClinVar aggregate classification (germline): Pathogenic/Likely pathogenic. Review status: criteria provided, multiple submitters, no conflicts (2 of 4 stars). 3 submissions from 3 submitters: Pathogenic (1); Likely pathogenic (2). Last evaluated 2024-11-11.

Conditions:
Spastic paraplegia. Identifiers: MedGen C0037772, HP:0001258.
Charlevoix-Saguenay spastic ataxia (SACS). Also called: SPASTIC ATAXIA 6, AUTOSOMAL RECESSIVE; AUTOSOMAL RECESSIVE SPASTIC ATAXIA OF CHARLEVOIX-SAGUENAY; Spastic ataxia of Charlevoix-Saguenay. Identifiers: Orphanet 98, MedGen C1849140, MONDO:0010041, OMIM 270550.

Submissions (3):

GeneDx
Classification: Likely pathogenic. Last evaluated: 2024-11-11. Review status: criteria provided, single submitter. Criteria: GeneDx Variant Classification Process June 2021. Collection method: clinical testing. Allele origin: germline. Affected: yes.
Comment: Frameshift variant predicted to result in abnormal protein length as the last 2677 amino acids are replaced with 30 different amino acids, and other similar variants have been reported in HGMD; Not observed at significant frequency in large population cohorts (gnomAD); Has not been previously published as pathogenic or benign to our knowledge

Labcorp Genetics (formerly Invitae), Labcorp
Classification: Pathogenic for Spastic paraplegia. Last evaluated: 2023-09-21. Review status: criteria provided, single submitter. Criteria: Invitae Variant Classification Sherloc (09022015). Collection method: clinical testing. Allele origin: germline.
Comment: For these reasons, this variant has been classified as Pathogenic. This variant disrupts a region of the SACS protein in which other variant(s) (p.3903*, p.Lys2931Asnfs*22, p.Ile2949Phefs*4) have been determined to be pathogenic (PMID: 10655055, 11788093, 15486997, 19892370, 21745802). This suggests that this is a clinically significant region of the protein, and that variants that disrupt it are likely to be disease-causing. Experimental studies and prediction algorithms are not available or were not evaluated, and the functional significance of this variant is currently unknown. ClinVar contains an entry for this variant (Variation ID: 646225). This variant has not been reported in the literature in individuals affected with SACS-related conditions. This variant is not present in population databases (gnomAD no frequency). This sequence change creates a premature translational stop signal (p.Asp1903Tyrfs*31) in the SACS gene. While this is not anticipated to result in nonsense mediated decay, it is expected to disrupt the last 2677 amino acid(s) of the SACS protein.

Baylor Genetics
Classification: Likely pathogenic for Charlevoix-Saguenay spastic ataxia. Last evaluated: 2022-09-17. Review status: criteria provided, single submitter. Criteria: ACMG Guidelines, 2015. Collection method: clinical testing. Allele origin: unknown.

Literature cited by the submitters: PubMed 10655055 (cited by Labcorp Genetics (formerly Invitae), Labcorp); PubMed 11788093 (cited by Labcorp Genetics (formerly Invitae), Labcorp); PubMed 15486997 (cited by Labcorp Genetics (formerly Invitae), Labcorp); PubMed 19892370 (cited by Labcorp Genetics (formerly Invitae), Labcorp); PubMed 21745802 (cited by Labcorp Genetics (formerly Invitae), Labcorp).